The following is an entry in ClinVar:

ClinVar aggregate classification (germline): Conflicting classifications of pathogenicity. Review status: criteria provided, conflicting classifications (1 of 4 stars). 4 submissions from 4 submitters: Uncertain significance (3); Likely benign (1). Last evaluated 2025-10-10.

Conditions:
Neuropathy, hereditary sensory, type 2C. Also called: Hereditary sensory and autonomic neuropathy type IIC; KIF1A-Related HSAN2 (HSAN2C). Identifiers: Orphanet 970, MedGen C3280168, MONDO:0013634, OMIM 614213.
Intellectual disability, autosomal dominant 9 (NESCAVS). Also called: NESCAV SYNDROME; KIF1A-Related Neurodevelopmental Disorder. Identifiers: Orphanet 662367, MedGen C5393830, MONDO:0013656, OMIM 614255.
Hereditary spastic paraplegia 30. Identifiers: Orphanet 101010, MedGen C5235139, MONDO:0012476.

Allele frequency attached by ClinVar (database versions not stated): gnomAD exomes 0.00005 and 0.00014; gnomAD 0.00007 and 0.00008; TOPMed 0.00008; ExAC 0.00009.
gnomAD v4.1: 221 of 1,610,942 alleles (0.014%); highest among the groups gnomAD compares: Non-Finnish European, 0.017%; no homozygotes.

Submissions (4):

Labcorp Genetics (formerly Invitae), Labcorp
Classification: Likely benign for Hereditary spastic paraplegia 30; Neuropathy, hereditary sensory, type 2C; Intellectual disability, autosomal dominant 9. Last evaluated: 2025-10-10. Review status: criteria provided, single submitter. Criteria: Invitae Variant Classification Sherloc (09022015). Collection method: clinical testing. Allele origin: germline.

Mayo Clinic Laboratories, Mayo Clinic
Classification: Uncertain significance. Last evaluated: 2025-02-23. Review status: criteria provided, single submitter. Criteria: ACMG Guidelines, 2015. Collection method: clinical testing. Allele origin: germline. Observed: 1 variant allele.
Comment: BP4

GeneDx
Classification: Uncertain significance. Last evaluated: 2024-09-05. Review status: criteria provided, single submitter. Criteria: GeneDx Variant Classification Process June 2021. Collection method: clinical testing. Allele origin: germline. Affected: yes.
Comment: In silico analysis supports that this missense variant has a deleterious effect on protein structure/function; Has not been previously published as pathogenic or benign to our knowledge

Athena Diagnostics
Classification: Uncertain significance. Last evaluated: 2018-03-05. Review status: criteria provided, single submitter. Criteria: Athena Diagnostics Criteria. Collection method: clinical testing. Allele origin: germline.

NM_001244008.2(KIF1A):c.3599C>T (p.Ser1200Leu)

Gene: KIF1A (kinesin family member 1A; minus strand). Cytogenetic location: 2q37.3.
Variant type: single nucleotide variant.
Coding change: c.3599C>T on transcript NM_001244008.2 (MANE Select); coding-DNA position 3599, C replaced by T.
Protein change: p.Ser1200Leu; replaces serine 1200 with leucine.
Molecular consequence: missense variant.
Genome position (GRCh38, 1-based): chr2:240,742,970, G>A on the plus strand (C>T on the coding strand, the complement: KIF1A is on the minus strand). VCF-style: chr2-240742970-G-A. GRCh37 (hg19) VCF-style: chr2-241682387-G-A.
Other names: p.Ser1099Leu; c.3323C>T, p.Ser1108Leu (NM_001320705.2, NM_001330289.2, NM_001379638.1); c.3398C>T, p.Ser1133Leu (NM_001330290.2, NM_001379634.1, NM_001379635.1 and 1 more transcripts); c.3674C>T, p.Ser1225Leu (NM_001379631.1); c.3548C>T, p.Ser1183Leu (NM_001379632.1); c.3572C>T, p.Ser1191Leu (NM_001379633.1, NM_001379642.1, NM_001379645.1); c.3296C>T, p.Ser1099Leu (NM_001379636.1, NM_001379639.1, NM_001379641.1 and 5 more transcripts); c.3371C>T, p.Ser1124Leu (NM_001379637.1, NM_001379648.1); and 2 more; short protein forms S1200L, S1099L, S1108L, S1133L, S1098L, S1124L, S1183L, S1191L.
Identifiers: ClinVar variation 464229 (VCV000464229.11), dbSNP rs763750448, ClinGen allele CA2207739.
Genomic context (GRCh38, chr2:240,742,970, plus strand): 5'-CTCCAGAGACCCTTCCTACCTGGCTTGGACAGTGGCATGACCCGAGGGAAGTGGCGGCGC[G>A]AGGGCCTCAGGGGGCTGTGGAGAAAGGACCAGTGTGAGGTGTTTGCGGGACCCTGGGCGG-3'
Protein context (NP_001230937.1, residues 1190-1210): CKDVLSPLRP[Ser1200Leu]RRHFPRVMPL